The following is an entry in ClinVar:

ClinVar aggregate classification (germline): Uncertain significance (1 of 4 stars; one submission).

gnomAD v4.1: 54 of 1,610,176 alleles (0.0034%); highest among the groups gnomAD compares: Admixed American, 0.022%; no homozygotes.

Submission:

GeneDx
Classification: Uncertain significance. Last evaluated: 2025-02-07. Review status: criteria provided, single submitter. Criteria: GeneDx Variant Classification Process June 2021. Collection method: clinical testing. Allele origin: germline. Affected: yes.
Comment: In silico analysis supports that this missense variant has a deleterious effect on protein structure/function; Has not been previously published as pathogenic or benign to our knowledge

NM_014738.6(TMEM94):c.3046G>A (p.Asp1016Asn)

Gene: TMEM94 (transmembrane protein 94; plus strand). Cytogenetic location: 17q25.1.
Variant type: single nucleotide variant.
Coding change: c.3046G>A on transcript NM_014738.6 (MANE Select); coding-DNA position 3046, G replaced by A.
Protein change: p.Asp1016Asn; replaces aspartic acid 1016 with asparagine.
Molecular consequence: missense variant.
Genome position (GRCh38, 1-based): chr17:75,496,067, G>A. VCF-style: chr17-75496067-G-A. GRCh37 (hg19) VCF-style: chr17-73492148-G-A.
Other names: c.3058G>A, p.Asp1020Asn (NM_001321149.2); c.2998G>A, p.Asp1000Asn (NM_001351202.2); c.3073G>A, p.Asp1025Asn (NM_001351203.2); c.3046G>A, p.Asp1016Asn (NM_001438841.1, NM_001438847.1); c.3088G>A, p.Asp1030Asn (NM_001438842.1, NM_001438843.1); c.3076G>A, p.Asp1026Asn (NM_001438844.1, NM_001321148.2); c.3055G>A, p.Asp1019Asn (NM_001438845.1); c.3028G>A, p.Asp1010Asn (NM_001438846.1); and 1 more; short protein forms D1000N, D1010N, D1013N, D1016N, D1019N, D1020N, D1025N, D1026N.
Identifiers: ClinVar variation 4074450 (VCV004074450.1).
Genomic context (GRCh38, chr17:75,496,067, plus strand): 5'-GTGACCTGCTGCCTGGGCAGCTCTGCCAACCTGCGGAACAGCTGCCTCTTCCTCCAGAGC[G>A]ACATCAGGTCAGGGCGGGACCCTGGAGCCTGCGGGCCAGCCTCTACCTCCCAGACCGGAG-3'
Protein context (NP_055553.3, residues 1006-1026): LRNSCLFLQS[Asp1016Asn]ISIALDPLYP